The following is an entry in ClinVar:

NM_004370.6(COL12A1):c.5780A>T (p.Asp1927Val)

Gene: COL12A1 (collagen type XII alpha 1 chain; minus strand). Cytogenetic location: 6q13.
Variant type: single nucleotide variant.
Coding change: c.5780A>T on transcript NM_004370.6 (MANE Select); coding-DNA position 5780, A replaced by T.
Protein change: p.Asp1927Val; replaces aspartic acid 1927 with valine.
Molecular consequence: missense variant.
Genome position (GRCh38, 1-based): chr6:75,133,307, T>A on the plus strand (A>T on the coding strand, the complement: COL12A1 is on the minus strand). VCF-style: chr6-75133307-T-A. GRCh37 (hg19) VCF-style: chr6-75843023-T-A.
Other names: c.5780A>T, p.Asp1927Val (NM_001424113.1); c.5759A>T, p.Asp1920Val (NM_001424114.1); c.5507A>T, p.Asp1836Val (NM_001424115.1); c.2288A>T, p.Asp763Val (NM_001424116.1, NM_080645.3); short protein forms D1836V, D1920V, D1927V, D763V.
Identifiers: ClinVar variation 3774272 (VCV003774272.1).

ClinVar aggregate classification (germline): Uncertain significance (1 of 4 stars; one submission).

Submission:

GeneDx
Classification: Uncertain significance. Last evaluated: 2024-09-19. Review status: criteria provided, single submitter. Criteria: GeneDx Variant Classification Process June 2021. Collection method: clinical testing. Allele origin: germline. Affected: yes.
Comment: Not observed at significant frequency in large population cohorts (gnomAD); In silico analysis indicates that this missense variant does not alter protein structure/function; Has not been previously published as pathogenic or benign to our knowledge